The following is an entry in ClinVar:

NM_006904.7(PRKDC):c.4241T>C (p.Ile1414Thr)

Gene: PRKDC (protein kinase, DNA-activated, catalytic subunit; minus strand). Cytogenetic location: 8q11.21.
Variant type: single nucleotide variant.
Coding change: c.4241T>C on transcript NM_006904.7 (MANE Select); coding-DNA position 4241, T replaced by C.
Protein change: p.Ile1414Thr; replaces isoleucine 1414 with threonine.
Molecular consequence: missense variant.
Genome position (GRCh38, 1-based): chr8:47,889,053, A>G on the plus strand (T>C on the coding strand, the complement: PRKDC is on the minus strand). VCF-style: chr8-47889053-A-G. GRCh37 (hg19) VCF-style: chr8-48801614-A-G.
Other names: c.4241T>C, p.Ile1414Thr (NM_001081640.2); short protein forms I1414T.
Identifiers: ClinVar variation 2145666 (VCV002145666.4), dbSNP rs1028480861, ClinGen allele CA371146254.

ClinVar aggregate classification (germline): Uncertain significance (1 of 4 stars; one submission).

Conditions:
Severe combined immunodeficiency due to DNA-PKcs deficiency. Also called: IMMUNODEFICIENCY 26 WITH NEUROLOGIC ABNORMALITIES; Immunodeficiency 26 with or without neurologic abnormalities. Identifiers: Orphanet 317425, MedGen C4014833, MONDO:0014423, OMIM 615966.

Allele frequency attached by ClinVar (database versions not stated): gnomAD exomes below 0.00001.
gnomAD v4.1: 2 of 1,613,926 alleles (0.00012%); highest among the groups gnomAD compares: Non-Finnish European, 0.00017%; no homozygotes.

Submission:

Labcorp Genetics (formerly Invitae), Labcorp
Classification: Uncertain significance for Severe combined immunodeficiency due to DNA-PKcs deficiency. Last evaluated: 2024-03-04. Review status: criteria provided, single submitter. Criteria: Invitae Variant Classification Sherloc (09022015). Collection method: clinical testing. Allele origin: germline.
Comment: This sequence change replaces isoleucine, which is neutral and non-polar, with threonine, which is neutral and polar, at codon 1414 of the PRKDC protein (p.Ile1414Thr). This variant is not present in population databases (gnomAD no frequency). This variant has not been reported in the literature in individuals affected with PRKDC-related conditions. ClinVar contains an entry for this variant (Variation ID: 2145666). Advanced modeling of protein sequence and biophysical properties (such as structural, functional, and spatial information, amino acid conservation, physicochemical variation, residue mobility, and thermodynamic stability) performed at Invitae indicates that this missense variant is not expected to disrupt PRKDC protein function with a negative predictive value of 80%. In summary, the available evidence is currently insufficient to determine the role of this variant in disease. Therefore, it has been classified as a Variant of Uncertain Significance.